The following is an entry in ClinVar:

NM_201384.3(PLEC):c.3081+18C>G

Gene: PLEC (plectin; minus strand). Cytogenetic location: 8q24.3.
Variant type: single nucleotide variant.
Coding change: c.3081+18C>G on transcript NM_201384.3 (MANE Select); 18 bases into the intron after coding-DNA position 3081, C replaced by G.
Molecular consequence: intron variant.
Genome position (GRCh38, 1-based): chr8:143,929,396, G>C on the plus strand (C>G on the coding strand, the complement: PLEC is on the minus strand). VCF-style: chr8-143929396-G-C. GRCh37 (hg19) VCF-style: chr8-145003564-G-C.
Other names: c.3162+18C>G (NM_000445.5); c.3039+18C>G (NM_201378.4); c.3015+18C>G (NM_201379.3); c.3492+18C>G (NM_201380.4); c.2985+18C>G (NM_201381.3); c.3081+18C>G (NM_201382.4); c.3093+18C>G (NM_201383.3).
Identifiers: ClinVar variation 682335 (VCV000682335.6), dbSNP rs782138604, ClinGen allele CA4927232.

ClinVar aggregate classification (germline): Likely benign. Review status: criteria provided, multiple submitters, no conflicts (2 of 4 stars). 2 submissions from 2 submitters: Likely benign (2). Last evaluated 2022-08-31.

Conditions:
Epidermolysis bullosa simplex, Ogna type (EBS5A). Also called: Pidermolysis bullosa simplex 5A, Ogna type; EPIDERMOLYSIS BULLOSA SIMPLEX 5A, OGNA TYPE. Identifiers: Orphanet 79401, MedGen C0432317, MONDO:0007555, OMIM 131950.
Epidermolysis bullosa simplex 5C, with pyloric atresia (EBS5C). Also called: PLEC1-Related Epidermolysis Bullosa with Pyloric Atresia; PLEC-Related Epidermolysis Bullosa with Pyloric Atresia; Epidermolysis bullosa simplex with pyloric atresia. Identifiers: Orphanet 158684, MedGen C2677349, MONDO:0012807, OMIM 612138.
Epidermolysis bullosa simplex 5B, with muscular dystrophy (EBS5B). Also called: Epidermolysis bullosa simplex with muscular dystrophy; EPIDERMOLYSIS BULLOSA SIMPLEX AND LIMB-GIRDLE MUSCULAR DYSTROPHY. Identifiers: Orphanet 257, MedGen C2931072, MONDO:0009181, OMIM 226670.
Autosomal recessive limb-girdle muscular dystrophy type 2Q (LGMDR17). Also called: MUSCULAR DYSTROPHY, LIMB-GIRDLE, AUTOSOMAL RECESSIVE 17. Identifiers: Orphanet 254361, MedGen C3150989, MONDO:0013390, OMIM 613723.
Epidermolysis bullosa simplex with nail dystrophy (EBS5D). Identifiers: MedGen C4225309, MONDO:0014661, OMIM 616487.

Allele frequency attached by ClinVar (database versions not stated): TOPMed 0.00003.
gnomAD v4.1: 32 of 1,560,986 alleles (0.002%); highest among the groups gnomAD compares: Admixed American, 0.0076%; no homozygotes.

Submissions (2):

Labcorp Genetics (formerly Invitae), Labcorp
Classification: Likely benign for Autosomal recessive limb-girdle muscular dystrophy type 2Q; Epidermolysis bullosa simplex, Ogna type; Epidermolysis bullosa simplex with nail dystrophy; Epidermolysis bullosa simplex 5C, with pyloric atresia; Epidermolysis bullosa simplex 5B, with muscular dystrophy. Last evaluated: 2022-08-31. Review status: criteria provided, single submitter. Criteria: Invitae Variant Classification Sherloc (09022015). Collection method: clinical testing. Allele origin: germline.

GeneDx
Classification: Likely benign. Last evaluated: 2018-04-25. Review status: criteria provided, single submitter. Criteria: GeneDx Variant Classification (06012015). Collection method: clinical testing. Allele origin: germline. Affected: yes.
Comment: This variant is considered likely benign or benign based on one or more of the following criteria: it is a conservative change, it occurs at a poorly conserved position in the protein, it is predicted to be benign by multiple in silico algorithms, and/or has population frequency not consistent with disease.